The following is an entry in ClinVar:

ClinVar aggregate classification (germline): Likely benign. Review status: criteria provided, multiple submitters, no conflicts (2 of 4 stars). 4 submissions from 4 submitters: Likely benign (3). 1 of the submissions does not count toward it. Last evaluated 2024-12-06.

Conditions:
Inborn genetic diseases. Identifiers: MedGen C0950123, MeSH D030342.
GLUD1-related disorder. Also called: GLUD1-related condition.
Hyperinsulinism-hyperammonemia syndrome (HHF6). Identifiers: Orphanet 35878, MedGen C1847555, MONDO:0011717, OMIM 606762.

Allele frequency attached by ClinVar (database versions not stated): gnomAD exomes 0.00002; gnomAD 0.00009; TOPMed 0.00010.
gnomAD v4.1: 216 of 1,558,590 alleles (0.014%); highest among the groups gnomAD compares: Non-Finnish European, 0.018%; no homozygotes.

Submissions (4):

Women's Health and Genetics/Laboratory Corporation of America, LabCorp
Classification: Likely benign. Last evaluated: 2024-12-06. Review status: criteria provided, single submitter. Criteria: LabCorp Variant Classification Summary - May 2015. Collection method: clinical testing. Allele origin: germline.

Labcorp Genetics (formerly Invitae), Labcorp
Classification: Likely benign for Hyperinsulinism-hyperammonemia syndrome. Last evaluated: 2019-10-03. Review status: criteria provided, single submitter. Criteria: Invitae Variant Classification Sherloc (09022015). Collection method: clinical testing. Allele origin: germline.

Ambry Genetics
Classification: Likely benign for Inborn genetic diseases. Last evaluated: 2019-08-09. Review status: criteria provided, single submitter. Criteria: Ambry Variant Classification Scheme 2023. Collection method: clinical testing. Allele origin: germline.

PreventionGenetics, part of Exact Sciences
Classification: Likely benign for GLUD1-related condition. Last evaluated: 2024-05-22. Review status: no assertion criteria provided. Collection method: clinical testing. Allele origin: germline. Not counted in ClinVar's aggregate classification.
Comment: This variant is classified as likely benign based on ACMG/AMP sequence variant interpretation guidelines (Richards et al. 2015 PMID: 25741868, with internal and published modifications).

NM_005271.5(GLUD1):c.102G>C (p.Arg34=)

Genes: SHLD2 (shieldin complex subunit 2; plus strand), GLUD1 (glutamate dehydrogenase 1; minus strand), LOC130004255 (ATAC-STARR-seq lymphoblastoid silent region 2577; plus strand). Cytogenetic location: 10q23.2.
Variant type: single nucleotide variant.
Coding change: c.102G>C on transcript NM_005271.5 (MANE Select); coding-DNA position 102, G replaced by C.
Protein change: p.Arg34=; no amino-acid change (arginine 34 retained).
Molecular consequence: synonymous variant. On other transcripts: 5 prime UTR variant (3).
Genome position (GRCh38, 1-based): chr10:87,094,668, C>G on the plus strand (G>C on the coding strand, the complement: GLUD1 is on the minus strand). VCF-style: chr10-87094668-C-G. GRCh37 (hg19) VCF-style: chr10-88854425-C-G.
Other names: c.-627G>C (NM_001318904.2); c.-753G>C (NM_001318905.2); c.-460G>C (NM_001318906.2); c.102G>C (NM_005271.4).
Identifiers: ClinVar variation 1112781 (VCV001112781.13), dbSNP rs896457764, ClinGen allele CA211192778.